The following is an entry in ClinVar:

ClinVar aggregate classification (germline): Uncertain significance (1 of 4 stars; one submission).

Conditions:
Epidermolysis bullosa simplex 3, localized or generalized intermediate, with BP230 deficiency (EBS3). Also called: Epidermolysis bullosa simplex due to BP230 deficiency; Epidermolysis bullosa simplex, autosomal recessive 2. Identifiers: Orphanet 412181, MedGen C3809470, MONDO:0014180, OMIM 615425.
Hereditary sensory and autonomic neuropathy type 6. Also called: Neuropathy, hereditary sensory and autonomic, type VI; HSAN VI. Identifiers: Orphanet 314381, MedGen C3539003, MONDO:0013839, OMIM 614653.

gnomAD v4.1: 2 of 1,607,228 alleles (0.00012%); highest among the groups gnomAD compares: South Asian, 0.0011%; no homozygotes.

Submission:

Labcorp Genetics (formerly Invitae), Labcorp
Classification: Uncertain significance for Epidermolysis bullosa simplex 3, localized or generalized intermediate, with BP230 deficiency; Hereditary sensory and autonomic neuropathy type 6. Last evaluated: 2021-06-23. Review status: criteria provided, single submitter. Criteria: Invitae Variant Classification Sherloc (09022015). Collection method: clinical testing. Allele origin: germline.
Comment: This sequence change replaces histidine with tyrosine at codon 3147 of the DST protein (p.His3147Tyr). The DST gene has multiple clinically relevant transcripts. This variant occurs in alternate transcript NM_015548.4, and corresponds to NM_001723.5:c.*85782C>T in the primary transcript. This variant is not present in population databases (ExAC no frequency). This variant has not been reported in the literature in individuals affected with DST-related conditions. Experimental studies and prediction algorithms are not available or were not evaluated, and the functional significance of this variant is currently unknown. In summary, the available evidence is currently insufficient to determine the role of this variant in disease. Therefore, it has been classified as a Variant of Uncertain Significance.

NM_001374736.1(DST):c.17308C>T (p.His5770Tyr)

Gene: DST (dystonin; minus strand). Cytogenetic location: 6p12.1.
Variant type: single nucleotide variant.
Coding change: c.17308C>T on transcript NM_001374736.1 (MANE Select); coding-DNA position 17308, C replaced by T.
Protein change: p.His5770Tyr; replaces histidine 5770 with tyrosine.
Molecular consequence: missense variant. On other transcripts: intron variant (2).
Genome position (GRCh38, 1-based): chr6:56,529,735, G>A on the plus strand (C>T on the coding strand, the complement: DST is on the minus strand). VCF-style: chr6-56529735-G-A. GRCh37 (hg19) VCF-style: chr6-56394533-G-A.
Other names: c.10951C>T, p.His3651Tyr (NM_001144769.5); c.10537C>T, p.His3513Tyr (NM_001144770.2); c.17308C>T, p.His5770Tyr (NM_001374722.1); c.17335C>T, p.His5779Tyr (NM_001374734.1); c.10417C>T, p.His3473Tyr (NM_001386100.1, NM_183380.4); c.9439C>T, p.His3147Tyr (NM_015548.5); c.10377+239C>T (NM_001374730.1); c.16635+239C>T (NM_001374729.1); short protein forms H3651Y, H3473Y, H3147Y, H3513Y, H5770Y, H5779Y.
Identifiers: ClinVar variation 1500988 (VCV001500988.6), dbSNP rs2152511719, ClinGen allele CA364508908.